The following is an entry in ClinVar:

NM_001376.5(DYNC1H1):c.12732G>T (p.Lys4244Asn)

Gene: DYNC1H1 (dynein cytoplasmic 1 heavy chain 1; plus strand). Cytogenetic location: 14q32.31.
Variant type: single nucleotide variant.
Coding change: c.12732G>T on transcript NM_001376.5 (MANE Select); coding-DNA position 12732, G replaced by T.
Protein change: p.Lys4244Asn; replaces lysine 4244 with asparagine.
Molecular consequence: missense variant.
Genome position (GRCh38, 1-based): chr14:102,044,321, G>T. VCF-style: chr14-102044321-G-T. GRCh37 (hg19) VCF-style: chr14-102510658-G-T.
Other names: short protein forms K4244N.
Identifiers: ClinVar variation 4802086 (VCV004802086.1).

ClinVar aggregate classification (germline): Uncertain significance (1 of 4 stars; one submission).

Conditions:
Charcot-Marie-Tooth disease axonal type 2O. Also called: CHARCOT-MARIE-TOOTH NEUROPATHY, AXONAL, TYPE 2O; CHARCOT-MARIE-TOOTH DISEASE, AXONAL, AUTOSOMAL DOMINANT, TYPE 2O; Charcot-Marie-Tooth Neuropathy Type 2O; Charcot-Marie-Tooth disease, axonal, type 20. Identifiers: Orphanet 284232, MedGen C3280220, MONDO:0013644, OMIM 614228.

Submission:

Labcorp Genetics (formerly Invitae), Labcorp
Classification: Uncertain significance for Charcot-Marie-Tooth disease axonal type 2O. Last evaluated: 2025-09-24. Review status: criteria provided, single submitter. Criteria: Invitae Variant Classification Sherloc (09022015). Collection method: clinical testing. Allele origin: germline.
Comment: This sequence change replaces lysine, which is basic and polar, with asparagine, which is neutral and polar, at codon 4244 of the DYNC1H1 protein (p.Lys4244Asn). This variant is not present in population databases (gnomAD no frequency). This variant has not been reported in the literature in individuals affected with DYNC1H1-related conditions. Invitae Evidence Modeling of protein sequence and biophysical properties (such as structural, functional, and spatial information, amino acid conservation, physicochemical variation, residue mobility, and thermodynamic stability) indicates that this missense variant is not expected to disrupt DYNC1H1 protein function with a negative predictive value of 95%. In summary, the available evidence is currently insufficient to determine the role of this variant in disease. Therefore, it has been classified as a Variant of Uncertain Significance.